The following is an entry in ClinVar:

ClinVar aggregate classification (germline): Conflicting classifications of pathogenicity. Review status: criteria provided, conflicting classifications (1 of 4 stars). 12 submissions from 12 submitters: Uncertain significance (5); Likely benign (4). 3 of the submissions do not count toward it. Last evaluated 2026-06-17.

Conditions:
TTN-related disorder. Also called: TTN-related condition; TTN-related disease; TTN-related disorders.
Autosomal recessive limb-girdle muscular dystrophy type 2J (LGMDR10). Also called: Limb-girdle muscular dystrophy, type 2J; MUSCULAR DYSTROPHY, LIMB-GIRDLE, AUTOSOMAL RECESSIVE 10. Identifiers: Orphanet 140922, MedGen C1837342, MONDO:0012127, OMIM 608807.
Dilated cardiomyopathy 1G (CMD1G). Identifiers: Orphanet 154, MedGen C1858763, MONDO:0011400, OMIM 604145.
Cardiomyopathy (CMYO). Also called: Cardiomyopathies. Identifiers: Orphanet 167848, MedGen C0878544, MONDO:0004994, HP:0001638. Inheritance: Various modes of inheritance.

Allele frequency attached by ClinVar (database versions not stated): gnomAD exomes 0.00011 and 0.00024; 1000 Genomes Project 30x 0.00016; 1000 Genomes Project 0.00020; ExAC 0.00026; ESP Exome Variant Server 0.00034; gnomAD 0.00036 and 0.00039; TOPMed 0.00037.
gnomAD v4.1: 212 of 1,551,076 alleles (0.014%); highest among the groups gnomAD compares: African/African-American, 0.13%; no homozygotes.

Submissions (12):

PreventionGenetics, part of Exact Sciences
Classification: Uncertain significance for TTN-related condition. Last evaluated: 2026-06-17. Review status: criteria provided, single submitter. Criteria: ACMG Guidelines, 2015. Collection method: clinical testing. Allele origin: germline.
Comment: The TTN c.32093G>A variant is predicted to result in the amino acid substitution p.Arg10698Gln. To our knowledge, this variant has not been reported in the literature. This variant is reported in 0.11% of alleles in individuals of African descent in gnomAD. Although we suspect that this variant may be benign, at this time, the clinical significance of this variant is uncertain due to the absence of conclusive functional and genetic evidence.

CeGaT Center for Human Genetics Tuebingen
Classification: Likely benign. Last evaluated: 2026-02-01. Review status: criteria provided, single submitter. Criteria: CeGaT Center For Human Genetics Tuebingen Variant Classification Criteria Version 2. Collection method: clinical testing. Allele origin: germline. Affected: yes. Observed: 4 variant alleles.
Comment: TTN: BP4

Labcorp Genetics (formerly Invitae), Labcorp
Classification: Likely benign for Dilated cardiomyopathy 1G; Autosomal recessive limb-girdle muscular dystrophy type 2J. Last evaluated: 2026-01-20. Review status: criteria provided, single submitter. Criteria: Invitae Variant Classification Sherloc (09022015). Collection method: clinical testing. Allele origin: germline.

Mayo Clinic Laboratories, Mayo Clinic
Classification: Uncertain significance. Last evaluated: 2025-01-22. Review status: criteria provided, single submitter. Criteria: ACMG Guidelines, 2015. Collection method: clinical testing. Allele origin: germline. Observed: 4 variant alleles.
Comment: BP4_moderate

Blueprint Genetics
Classification: Likely benign. Last evaluated: 2024-07-04. Review status: criteria provided, single submitter. Criteria: ACMG Guidelines, 2015. Collection method: clinical testing. Allele origin: germline.

Athena Diagnostics
Classification: Likely benign. Last evaluated: 2021-03-22. Review status: criteria provided, single submitter. Criteria: Athena Diagnostics criteria. Collection method: clinical testing. Allele origin: unknown.

Eurofins Ntd Llc (ga)
Classification: Uncertain significance. Last evaluated: 2018-02-13. Review status: criteria provided, single submitter. Criteria: EGL ClinVar v180209 classification definitions. Collection method: clinical testing. Allele origin: germline. Observed: 5 variant alleles, 5 heterozygotes.

CHEO Genetics Diagnostic Laboratory, Children's Hospital of Eastern Ontario
Classification: Uncertain significance for Cardiomyopathy. Last evaluated: 2017-03-21. Review status: criteria provided, single submitter. Criteria: ACMG Guidelines, 2015. Collection method: clinical testing. Allele origin: germline. Study: Canadian Open Genetics Repository.

Laboratory for Molecular Medicine, Mass General Brigham Personalized Medicine
Classification: Uncertain significance. Last evaluated: 2015-05-18. Review status: criteria provided, single submitter. Criteria: LMM Criteria. Collection method: clinical testing. Allele origin: germline. Observed: 1 variant allele.
Comment: Variant classified as Uncertain Significance - Favor Benign. The p.Arg9454Gln va riant in TTN has not been previously reported in individuals with cardiomyopathy , but has been identified in 0.1% (19/16434) of South Asian chromosomes by the E xome Aggregation Consortium (ExAC; dbSNP rs20016 1147). Arginine (Arg) at position 9454 is not conserved in mammals or evolutiona rily distant species and 1 mammal (weddell seal) carries a glutamine (Gln) at th is position, raising the possibility that this change may be tolerated. In addit ion, this variant is located in the last three bases of the exon, which is part of the 5? splice region. Computational tools do not suggest an impact to splicin g. However, this information is not predictive enough to rule out pathogenicity. In summary, while the clinical significance of the p.Arg9454Gln variant is unce rtain, it's frequency and the presence of the variant amino acid in another mamm al suggest it is more likely to be benign.

GeneDx
No classification provided. Last evaluated: 2014-04-14. Review status: no classification provided. Criteria: GeneDx Variant Classification (06012015). Collection method: clinical testing. Allele origin: germline. Affected: yes. Not counted in ClinVar's aggregate classification.
Comment: Missense variants in the TTN gene are considered 'unclassified' if they are not previously reported in the literature and do not have >1% frequency in the population to be considered a polymorphism. Research indicates that truncating mutations in the TTN gene are expected to account for approximately 25% of familial and 18% of sporadic idiopathic DCM; however, truncating variants in the TTN gene have been reported in approximately 3% of reported control alleles. There has been little investigation into non-truncating variants. (Herman D et al. Truncations of titin causing dilated cardiomyopathy. N Eng J Med 366:619-628, 2012) The variant is found in DCM-CRDM panel(s).

Clinical Genetics, Academic Medical Center
Classification: Likely benign. Review status: no assertion criteria provided. Collection method: clinical testing. Allele origin: germline. Affected: yes. Study: VKGL Data-share Consensus. Not counted in ClinVar's aggregate classification.

Joint Genome Diagnostic Labs from Nijmegen and Maastricht, Radboudumc and MUMC+
Classification: Likely benign. Review status: no assertion criteria provided. Collection method: clinical testing. Allele origin: germline. Affected: yes. Study: VKGL Data-share Consensus. Not counted in ClinVar's aggregate classification.

NM_001267550.2(TTN):c.32093G>A (p.Arg10698Gln)

Gene: TTN (titin; minus strand). Cytogenetic location: 2q31.2.
Variant type: single nucleotide variant.
Coding change: c.32093G>A on transcript NM_001267550.2 (MANE Select); coding-DNA position 32093, G replaced by A.
Protein change: p.Arg10698Gln; replaces arginine 10698 with glutamine.
Molecular consequence: missense variant. On other transcripts: intron variant (3).
Genome position (GRCh38, 1-based): chr2:178,689,055, C>T on the plus strand (G>A on the coding strand, the complement: TTN is on the minus strand). VCF-style: chr2-178689055-C-T. GRCh37 (hg19) VCF-style: chr2-179553782-C-T.
Other names: p.R10381Q:CGA>CAA; c.32093G>A (NM_001267550.1); c.13283-46738G>A (NM_003319.4); c.13859-46738G>A (NM_133437.4); c.13658-46738G>A (NM_133432.3); c.31142G>A, p.Arg10381Gln (NM_001256850.1); c.28361G>A, p.Arg9454Gln (NM_133378.4); short protein forms R10381Q, R10698Q, R9454Q.
Identifiers: ClinVar variation 202570 (VCV000202570.54), dbSNP rs200161147, ClinGen allele CA309620.